The following is an entry in ClinVar:

NM_001376.5(DYNC1H1):c.13484C>G (p.Ala4495Gly)

Gene: DYNC1H1 (dynein cytoplasmic 1 heavy chain 1; plus strand). Cytogenetic location: 14q32.31.
Variant type: single nucleotide variant.
Coding change: c.13484C>G on transcript NM_001376.5 (MANE Select); coding-DNA position 13484, C replaced by G.
Protein change: p.Ala4495Gly; replaces alanine 4495 with glycine.
Molecular consequence: missense variant.
Genome position (GRCh38, 1-based): chr14:102,049,551, C>G. VCF-style: chr14-102049551-C-G. GRCh37 (hg19) VCF-style: chr14-102515888-C-G.
Other names: short protein forms A4495G.
Identifiers: ClinVar variation 1712613 (VCV001712613.4), dbSNP rs2048775145, ClinGen allele CA391049513.
Genomic context (GRCh38, chr14:102,049,551, plus strand): 5'-TCATCCAGTGGGTGTCCGACTTCAGCGAGAGGATCAAACAGCTGCAGAACATCTCACTGG[C>G]AGCTGCATCTGGTGGCGCCAAGGAGCTAAAGGTGAAGGCGCTCCTGACGAGTCTCGGGTG-3'
Protein context (NP_001367.2, residues 4485-4505): RIKQLQNISL[Ala4495Gly]AASGGAKELK

ClinVar aggregate classification (germline): Uncertain significance. Review status: criteria provided, multiple submitters, no conflicts (2 of 4 stars). 2 submissions from 2 submitters: Uncertain significance (2). Last evaluated 2022-04-29.

Conditions:
Inborn genetic diseases. Identifiers: MedGen C0950123, MeSH D030342.

gnomAD v4.1: 1 of 1,614,112 alleles (0.000062%); no homozygotes.

Submissions (2):

GeneDx
Classification: Uncertain significance. Last evaluated: 2022-04-29. Review status: criteria provided, single submitter. Criteria: GeneDx Variant Classification Process June 2021. Collection method: clinical testing. Allele origin: germline. Affected: yes.
Comment: Not observed at significant frequency in large population cohorts (gnomAD); In silico analysis supports that this missense variant does not alter protein structure/function; Has not been previously published as pathogenic or benign to our knowledge; This variant is associated with the following publications: (PMID: 26100331, 25609763, 25512093)

Ambry Genetics
Classification: Uncertain significance for Inborn genetic diseases. Last evaluated: 2022-04-25. Review status: criteria provided, single submitter. Criteria: Ambry Variant Classification Scheme 2023. Collection method: clinical testing. Allele origin: germline.
Comment: The p.A4495G variant (also known as c.13484C>G), located in coding exon 75 of the DYNC1H1 gene, results from a C to G substitution at nucleotide position 13484. The alanine at codon 4495 is replaced by glycine, an amino acid with similar properties. This amino acid position is conserved. In addition, this alteration is predicted to be tolerated by in silico analysis. Since supporting evidence is limited at this time, the clinical significance of this alteration remains unclear.